The following is an entry in ClinVar:

ClinVar aggregate classification (germline): Conflicting classifications of pathogenicity. Review status: criteria provided, conflicting classifications (1 of 4 stars). 6 submissions from 6 submitters: Uncertain significance (1); Likely benign (4). 1 of the submissions does not count toward it. Last evaluated 2026-01-28.

Conditions:
Cohen syndrome (COH1). Also called: Cutis verticis gyrata, retinitis pigmentosa, and sensorineural deafness; PEPPER SYNDROME. Identifiers: Orphanet 193, MedGen C0265223, MONDO:0008999, OMIM 216550.
VPS13B-related disorder. Also called: VPS13B-related condition.

Allele frequency attached by ClinVar (database versions not stated): gnomAD 0.00006 and 0.00011; TOPMed 0.00014; gnomAD exomes 0.00023 and 0.00037; ExAC 0.00038; 1000 Genomes Project 30x 0.00078; 1000 Genomes Project 0.00080.
gnomAD v4.1: 354 of 1,613,668 alleles (0.022%); highest among the groups gnomAD compares: East Asian, 0.75%; 3 homozygotes.

Submissions (6):

Labcorp Genetics (formerly Invitae), Labcorp
Classification: Likely benign for Cohen syndrome. Last evaluated: 2026-01-28. Review status: criteria provided, single submitter. Criteria: Invitae Variant Classification Sherloc (09022015). Collection method: clinical testing. Allele origin: germline.

Blueprint Genetics
Classification: Likely benign. Last evaluated: 2024-11-13. Review status: criteria provided, single submitter. Criteria: ACMG Guidelines, 2015. Collection method: clinical testing. Allele origin: germline.

GeneDx
Classification: Uncertain significance. Last evaluated: 2018-05-17. Review status: criteria provided, single submitter. Criteria: GeneDx Variant Classification (06012015). Collection method: clinical testing. Allele origin: germline. Affected: yes.
Comment: The E2626K variant has not been published as a pathogenic variant, nor has it been reported as a benign variant to our knowledge. The E2626K variant is observed in 87/18830 (0.5%) alleles from individuals of East Asian background (Lek et al., 2016). The E2626K variant is a non-conservative amino acid substitution, which is likely to impact secondary protein structure as these residues differ in polarity, charge, size and/or other properties. However, in-silico analyses, including protein predictors and evolutionary conservation, support that this variant does not alter protein structure/function. Therefore, based on the currently available information, it is unclear whether this variant is a pathogenic variant or a rare benign variant.

Illumina Laboratory Services, Illumina
Classification: Likely benign for Cohen syndrome. Last evaluated: 2018-01-12. Review status: criteria provided, single submitter. Criteria: ICSL Variant Classification Criteria 13 December 2019. Collection method: clinical testing. Allele origin: germline.
Comment: This variant was observed in the ICSL laboratory as part of a predisposition screen in an ostensibly healthy population. It had not been previously curated by ICSL or reported in the Human Gene Mutation Database (HGMD: prior to June 1st, 2018), and was therefore a candidate for classification through an automated scoring system. Utilizing variant allele frequency, disease prevalence and penetrance estimates, and inheritance mode, an automated score was calculated to assess if this variant is too frequent to cause the disease. Based on the score and internal cut-off values, a variant classified as likely benign is not then subjected to further curation. The score for this variant resulted in a classification of likely benign for this disease.

Eurofins Ntd Llc (ga)
Classification: Likely benign. Last evaluated: 2016-03-16. Review status: criteria provided, single submitter. Criteria: EGL Classification Definitions 2015. Collection method: clinical testing. Allele origin: germline. Observed: 1 variant allele, 1 heterozygote.

PreventionGenetics, part of Exact Sciences
Classification: Likely benign for VPS13B-related condition. Last evaluated: 2022-03-01. Review status: no assertion criteria provided. Collection method: clinical testing. Allele origin: germline. Not counted in ClinVar's aggregate classification.
Comment: This variant is classified as likely benign based on ACMG/AMP sequence variant interpretation guidelines (Richards et al. 2015 PMID: 25741868, with internal and published modifications).

NM_152564.5(VPS13B):c.7801G>A (p.Glu2601Lys)

Gene: VPS13B (vacuolar protein sorting 13 homolog B; plus strand). Cytogenetic location: 8q22.2.
Variant type: single nucleotide variant.
Coding change: c.7801G>A on transcript NM_152564.5 (MANE Select); coding-DNA position 7801, G replaced by A.
Protein change: p.Glu2601Lys; replaces glutamic acid 2601 with lysine.
Molecular consequence: missense variant.
Genome position (GRCh38, 1-based): chr8:99,784,336, G>A. VCF-style: chr8-99784336-G-A. GRCh37 (hg19) VCF-style: chr8-100796564-G-A.
Other names: c.7801G>A (NM_152564.4); c.7876G>A, p.Glu2626Lys (NM_017890.5); short protein forms E2601K, E2626K.
Identifiers: ClinVar variation 286894 (VCV000286894.23), dbSNP rs144350008, ClinGen allele CA4824310.